The following is an entry in ClinVar:

NM_000089.4(COL1A2):c.3822C>G (p.Asn1274Lys)

Gene: COL1A2 (collagen type I alpha 2 chain; plus strand). Cytogenetic location: 7q21.3.
Variant type: single nucleotide variant.
Coding change: c.3822C>G on transcript NM_000089.4 (MANE Select); coding-DNA position 3822, C replaced by G.
Protein change: p.Asn1274Lys; replaces asparagine 1274 with lysine.
Molecular consequence: missense variant.
Genome position (GRCh38, 1-based): chr7:94,429,298, C>G. VCF-style: chr7-94429298-C-G. GRCh37 (hg19) VCF-style: chr7-94058610-C-G.
Other names: short protein forms N1274K.
Identifiers: ClinVar variation 2953762 (VCV002953762.3), dbSNP rs2484741765, ClinGen allele CA368226826.

ClinVar aggregate classification (germline): Uncertain significance (1 of 4 stars; one submission).

Conditions:
Osteogenesis imperfecta type I (OI1). Also called: Lobstein disease; OI, TYPE I; OSTEOGENESIS IMPERFECTA TARDA; OSTEOGENESIS IMPERFECTA WITH BLUE SCLERAE; Osteogenesis imperfecta type 1; Lobstein's Disease. Identifiers: Orphanet 216796, Orphanet 666, MedGen C0023931, MONDO:0008146, OMIM 166200. Disease mechanism: loss of function.
Ehlers-Danlos syndrome, classic type, 1 (EDSCL1). Also called: EDS I; EHLERS-DANLOS SYNDROME, GRAVIS TYPE; EHLERS-DANLOS SYNDROME, SEVERE CLASSIC TYPE; Ehlers-Danlos syndrome, type 1; Ehlers-Danlos Syndrome, Classic Type, COL5A1-Related. Identifiers: MedGen C0268335, MONDO:0019567, OMIM 130000.

Submission:

Labcorp Genetics (formerly Invitae), Labcorp
Classification: Uncertain significance for Osteogenesis imperfecta type I; Ehlers-Danlos syndrome, classic type, 1. Last evaluated: 2023-11-10. Review status: criteria provided, single submitter. Criteria: Invitae Variant Classification Sherloc (09022015). Collection method: clinical testing. Allele origin: germline.
Comment: This sequence change replaces asparagine, which is neutral and polar, with lysine, which is basic and polar, at codon 1274 of the COL1A2 protein (p.Asn1274Lys). This variant is not present in population databases (gnomAD no frequency). This variant has not been reported in the literature in individuals affected with COL1A2-related conditions. Advanced modeling of protein sequence and biophysical properties (such as structural, functional, and spatial information, amino acid conservation, physicochemical variation, residue mobility, and thermodynamic stability) performed at Invitae indicates that this missense variant is not expected to disrupt COL1A2 protein function with a negative predictive value of 80%. In summary, the available evidence is currently insufficient to determine the role of this variant in disease. Therefore, it has been classified as a Variant of Uncertain Significance.